The following is an entry in ClinVar:

NM_020638.3(FGF23):c.*1772G>A

Gene: FGF23 (fibroblast growth factor 23; minus strand). Cytogenetic location: 12p13.32.
Variant type: single nucleotide variant.
Coding change: c.*1772G>A on transcript NM_020638.3 (MANE Select); 1772 bases downstream of the stop codon, G replaced by A.
Molecular consequence: 3 prime UTR variant.
Genome position (GRCh38, 1-based): chr12:4,368,571, C>T on the plus strand (G>A on the coding strand, the complement: FGF23 is on the minus strand). VCF-style: chr12-4368571-C-T. GRCh37 (hg19) VCF-style: chr12-4477737-C-T.
Identifiers: ClinVar variation 308777 (VCV000308777.5), dbSNP rs13312800, ClinGen allele CA10632747.

ClinVar aggregate classification (germline): Conflicting classifications of pathogenicity. Review status: criteria provided, conflicting classifications (1 of 4 stars). 2 submissions from 1 submitter: Uncertain significance (1); Benign (1). Last evaluated 2018-01-13.

Conditions:
Autosomal dominant hypophosphatemic rickets (ADHR). Also called: HYPOPHOSPHATEMIA, AUTOSOMAL DOMINANT; VITAMIN D-RESISTANT RICKETS, AUTOSOMAL DOMINANT. Identifiers: Orphanet 89937, MedGen C0342642, MONDO:0008660, OMIM 193100.
Tumoral calcinosis, hyperphosphatemic, familial, 2. Identifiers: MedGen C4693863, MONDO:0060714, OMIM 617993.

Allele frequency attached by ClinVar (database versions not stated): 1000 Genomes Project 0.00140; 1000 Genomes Project 30x 0.00141; gnomAD 0.00282 and 0.00298; TOPMed 0.00351; gnomAD exomes 0.00422.
gnomAD v4.1: 606 of 190,838 alleles (0.32%); highest among the groups gnomAD compares: Middle Eastern, 0.56%; 1 homozygote.

Submissions (2):

Illumina Laboratory Services, Illumina
Classification: Benign for Autosomal dominant hypophosphatemic rickets. Last evaluated: 2018-01-13. Review status: criteria provided, single submitter. Criteria: ICSL Variant Classification Criteria 13 December 2019. Collection method: clinical testing. Allele origin: germline.
Comment: This variant was observed in the ICSL laboratory as part of a predisposition screen in an ostensibly healthy population. It had not been previously curated by ICSL or reported in the Human Gene Mutation Database (HGMD: prior to June 1st, 2018), and was therefore a candidate for classification through an automated scoring system. Utilizing variant allele frequency, disease prevalence and penetrance estimates, and inheritance mode, an automated score was calculated to assess if this variant is too frequent to cause the disease. Based on the score and internal cut-off values, a variant classified as benign is not then subjected to further curation. The score for this variant resulted in a classification of benign for this disease.

Illumina Laboratory Services, Illumina
Classification: Uncertain significance for Tumoral calcinosis, hyperphosphatemic, familial, 2. Last evaluated: 2018-01-13. Review status: criteria provided, single submitter. Criteria: ICSL Variant Classification Criteria 13 December 2019. Collection method: clinical testing. Allele origin: germline.